The following is an entry in ClinVar:

ClinVar aggregate classification (germline): Uncertain significance (1 of 4 stars; one submission).

Conditions:
PTPRJ-related disorder. Also called: PTPRJ-related condition.

gnomAD v4.1: 62 of 1,613,702 alleles (0.0038%); highest among the groups gnomAD compares: South Asian, 0.018%; no homozygotes.

Submission:

PreventionGenetics, part of Exact Sciences
Classification: Uncertain significance for PTPRJ-related condition. Last evaluated: 2026-06-27. Review status: criteria provided, single submitter. Criteria: ACMG Guidelines, 2015. Collection method: clinical testing. Allele origin: germline.
Comment: The PTPRJ c.3524C>T variant is predicted to result in the amino acid substitution p.Pro1175Leu. To our knowledge, this variant has not been reported in the literature. This variant is reported in 0.0098% of alleles in individuals of South Asian descent in gnomAD. At this time, the clinical significance of this variant is uncertain due to the absence of conclusive functional and genetic evidence.

NM_002843.4(PTPRJ):c.3524C>T (p.Pro1175Leu)

Gene: PTPRJ (protein tyrosine phosphatase receptor type J; plus strand). Cytogenetic location: 11p11.2.
Variant type: single nucleotide variant.
Coding change: c.3524C>T on transcript NM_002843.4 (MANE Select); coding-DNA position 3524, C replaced by T.
Protein change: p.Pro1175Leu; replaces proline 1175 with leucine.
Molecular consequence: missense variant.
Genome position (GRCh38, 1-based): chr11:48,160,015, C>T. VCF-style: chr11-48160015-C-T. GRCh37 (hg19) VCF-style: chr11-48181567-C-T.
Other names: short protein forms P1175L.
Identifiers: ClinVar variation 4977772 (VCV004977772.1).